The following is an entry in ClinVar:

NM_002230.4(JUP):c.*239G>A

Gene: JUP (junction plakoglobin; minus strand). Cytogenetic location: 17q21.2.
Variant type: single nucleotide variant.
Coding change: c.*239G>A on transcript NM_002230.4 (MANE Select); 239 bases downstream of the stop codon, G replaced by A.
Molecular consequence: 3 prime UTR variant. On other transcripts: intron variant (5).
Genome position (GRCh38, 1-based): chr17:41,755,505, C>T on the plus strand (G>A on the coding strand, the complement: JUP is on the minus strand). VCF-style: chr17-41755505-C-T. GRCh37 (hg19) VCF-style: chr17-39911757-C-T.
Other names: c.*239G>A (NM_001352773.2); c.*15-73G>A (NM_001352774.2, NM_021991.4, NM_001352776.2 and 2 more transcripts).
Identifiers: ClinVar variation 323158 (VCV000323158.6), dbSNP rs115919416, ClinGen allele CA10645640.

ClinVar aggregate classification (germline): Conflicting classifications of pathogenicity. Review status: criteria provided, conflicting classifications (1 of 4 stars). 3 submissions from 2 submitters: Uncertain significance (1); Likely benign (2). Last evaluated 2025-09-10.

Conditions:
Arrhythmogenic right ventricular dysplasia 12. Also called: ARRHYTHMOGENIC RIGHT VENTRICULAR DYSPLASIA, FAMILIAL, 12. Identifiers: MedGen C1969081, MONDO:0012684, OMIM 611528.
Naxos disease (NXD). Also called: KERATOSIS PALMOPLANTARIS WITH ARRHYTHMOGENIC CARDIOMYOPATHY; MAL DE NAXOS; PALMOPLANTAR KERATODERMA WITH ARRHYTHMOGENIC RIGHT VENTRICULAR CARDIOMYOPATHY AND WOOLLY HAIR; WOOLLY HAIR, PALMOPLANTAR KERATODERMA, AND CARDIAC ABNORMALITIES; CARDIOMYOPATHY, ARRHYTHMOGENIC RIGHT VENTRICULAR, WITH SKIN, HAIR, AND NAIL ABNORMALITIES. Identifiers: Orphanet 34217, MedGen C1832600, MONDO:0011017, OMIM 601214.

Allele frequency attached by ClinVar (database versions not stated): gnomAD exomes 0.00062; gnomAD 0.00486 and 0.00526; 1000 Genomes Project 0.00539; TOPMed 0.00546; 1000 Genomes Project 30x 0.00718.
gnomAD v4.1: 918 of 448,330 alleles (0.2%); highest among the groups gnomAD compares: African/African-American, 1.7%; 5 homozygotes.

Submissions (3):

Genomic Medicine Center of Excellence, King Faisal Specialist Hospital and Research Centre
Classification: Likely benign for Naxos disease. Last evaluated: 2025-09-10. Review status: criteria provided, single submitter. Criteria: ACMG Guidelines, 2015. Collection method: clinical testing. Allele origin: germline.

Illumina Laboratory Services, Illumina
Classification: Likely benign for Arrhythmogenic right ventricular dysplasia 12. Last evaluated: 2018-01-12. Review status: criteria provided, single submitter. Criteria: ICSL Variant Classification Criteria 13 December 2019. Collection method: clinical testing. Allele origin: germline.
Comment: This variant was observed in the ICSL laboratory as part of a predisposition screen in an ostensibly healthy population. It had not been previously curated by ICSL or reported in the Human Gene Mutation Database (HGMD: prior to June 1st, 2018), and was therefore a candidate for classification through an automated scoring system. Utilizing variant allele frequency, disease prevalence and penetrance estimates, and inheritance mode, an automated score was calculated to assess if this variant is too frequent to cause the disease. Based on the score and internal cut-off values, a variant classified as likely benign is not then subjected to further curation. The score for this variant resulted in a classification of likely benign for this disease.

Illumina Laboratory Services, Illumina
Classification: Uncertain significance for Naxos disease. Last evaluated: 2018-01-12. Review status: criteria provided, single submitter. Criteria: ICSL Variant Classification Criteria 13 December 2019. Collection method: clinical testing. Allele origin: germline.